The following is an entry in ClinVar:

NM_001430.5(EPAS1):c.794T>C (p.Ile265Thr)

Gene: EPAS1 (endothelial PAS domain protein 1; plus strand). Cytogenetic location: 2p21.
Variant type: single nucleotide variant.
Coding change: c.794T>C on transcript NM_001430.5 (MANE Select); coding-DNA position 794, T replaced by C.
Protein change: p.Ile265Thr; replaces isoleucine 265 with threonine.
Molecular consequence: missense variant.
Genome position (GRCh38, 1-based): chr2:46,369,841, T>C. VCF-style: chr2-46369841-T-C. GRCh37 (hg19) VCF-style: chr2-46596980-T-C.
Other names: short protein forms I265T.
Identifiers: ClinVar variation 2565061 (VCV002565061.2), dbSNP rs2546464156, ClinGen allele CA346701584.
Genomic context (GRCh38, chr2:46,369,841, plus strand): 5'-TTAATATGGTCTTTCTTCCTTACATGCTGCCTTTTTAAAAACTCAGAATCACAGAACTGA[T>C]TGGTTACCACCCTGAGGAGCTGCTTGGCCGCTCAGCCTATGAATTCTACCATGCGCTAGA-3'
Protein context (NP_001421.2, residues 255-275): TYCDDRITEL[Ile265Thr]GYHPEELLGR

ClinVar aggregate classification (germline): Uncertain significance (1 of 4 stars; one submission).

Conditions:
Inborn genetic diseases. Identifiers: MedGen C0950123, MeSH D030342.

Submission:

Ambry Genetics
Classification: Uncertain significance for Inborn genetic diseases. Last evaluated: 2023-04-22. Review status: criteria provided, single submitter. Criteria: Ambry Variant Classification Scheme 2023. Collection method: clinical testing. Allele origin: germline.
Comment: The p.I265T variant (also known as c.794T>C), located in coding exon 7 of the EPAS1 gene, results from a T to C substitution at nucleotide position 794. The isoleucine at codon 265 is replaced by threonine, an amino acid with similar properties. This amino acid position is conserved. In addition, this alteration is predicted to be tolerated by in silico analysis. Since supporting evidence is limited at this time, the clinical significance of this alteration remains unclear.